The following is an entry in ClinVar:

ClinVar aggregate classification (germline): Uncertain significance (1 of 4 stars; one submission).

Submission:

GeneDx
Classification: Uncertain significance. Last evaluated: 2025-07-05. Review status: criteria provided, single submitter. Criteria: GeneDx Variant Classification Process June 2021. Collection method: clinical testing. Allele origin: germline. Affected: yes.
Comment: Not observed at significant frequency in large population cohorts (gnomAD); In silico analysis suggests this variant may impact gene splicing. In the absence of RNA/functional studies, the actual effect of this sequence change is unknown.; In silico analysis suggests that this missense variant does not alter protein structure/function; Has not been previously published as pathogenic or benign to our knowledge

NM_004606.5(TAF1):c.4628A>G (p.Lys1543Arg)

Gene: TAF1 (TATA-box binding protein associated factor 1; plus strand). Cytogenetic location: Xq13.1.
Variant type: single nucleotide variant.
Coding change: c.4628A>G on transcript NM_004606.5 (MANE Select); coding-DNA position 4628, A replaced by G.
Protein change: p.Lys1543Arg; replaces lysine 1543 with arginine.
Molecular consequence: missense variant. On other transcripts: non-coding transcript variant (9).
Genome position (GRCh38, 1-based): chrX:71,424,026, A>G. VCF-style: chrX-71424026-A-G. GRCh37 (hg19) VCF-style: chrX-70643876-A-G.
Other names: c.4628A>G, p.Lys1543Arg (NM_001286074.2, NM_001440852.1, NM_001440853.1); c.4565A>G, p.Lys1522Arg (NM_001440854.1, NM_138923.4); short protein forms K1522R, K1543R.
Identifiers: ClinVar variation 4681154 (VCV004681154.1).